The following is an entry in ClinVar:

NM_033100.4(CDHR1):c.2254C>T (p.Arg752Cys)

Gene: CDHR1 (cadherin related family member 1; plus strand). Cytogenetic location: 10q23.1.
Variant type: single nucleotide variant.
Coding change: c.2254C>T on transcript NM_033100.4 (MANE Select); coding-DNA position 2254, C replaced by T.
Protein change: p.Arg752Cys; replaces arginine 752 with cysteine.
Molecular consequence: missense variant. On other transcripts: intron variant (1).
Genome position (GRCh38, 1-based): chr10:84,214,295, C>T. VCF-style: chr10-84214295-C-T. GRCh37 (hg19) VCF-style: chr10-85974051-C-T.
Other names: c.2040+947C>T (NM_001171971.3); short protein forms R752C.
Identifiers: ClinVar variation 1017625 (VCV001017625.8), dbSNP rs1842389982, ClinGen allele CA377379612.

ClinVar aggregate classification (germline): Uncertain significance (1 of 4 stars; one submission).

Allele frequency attached by ClinVar (database versions not stated): gnomAD exomes below 0.00001; TOPMed below 0.00001.
gnomAD v4.1: 1 of 1,614,054 alleles (0.000062%); highest among the groups gnomAD compares: Non-Finnish European, 0.000085%; no homozygotes.

Submission:

Labcorp Genetics (formerly Invitae), Labcorp
Classification: Uncertain significance. Last evaluated: 2021-03-25. Review status: criteria provided, single submitter. Criteria: Invitae Variant Classification Sherloc (09022015). Collection method: clinical testing. Allele origin: germline.
Comment: In summary, the available evidence is currently insufficient to determine the role of this variant in disease. Therefore, it has been classified as a Variant of Uncertain Significance. Advanced modeling of protein sequence and biophysical properties (such as structural, functional, and spatial information, amino acid conservation, physicochemical variation, residue mobility, and thermodynamic stability) performed at Invitae indicates that this missense variant is not expected to disrupt CDHR1 protein function. This variant has not been reported in the literature in individuals with CDHR1-related conditions. This variant is not present in population databases (ExAC no frequency). This sequence change replaces arginine with cysteine at codon 752 of the CDHR1 protein (p.Arg752Cys). The arginine residue is highly conserved and there is a large physicochemical difference between arginine and cysteine.